The following is an entry in ClinVar:

NM_001278293.3(ARL6):c.499G>A (p.Gly167Arg)

Gene: ARL6 (ARF like GTPase 6; plus strand). Cytogenetic location: 3q11.2.
Variant type: single nucleotide variant.
Coding change: c.499G>A on transcript NM_001278293.3 (MANE Select); coding-DNA position 499, G replaced by A.
Protein change: p.Gly167Arg; replaces glycine 167 with arginine.
Molecular consequence: missense variant. On other transcripts: non-coding transcript variant (6), intron variant (1).
Genome position (GRCh38, 1-based): chr3:97,791,790, G>A. VCF-style: chr3-97791790-G-A. GRCh37 (hg19) VCF-style: chr3-97510634-G-A.
Other names: c.499G>A, p.Gly167Arg (NM_001323513.2, NM_032146.5, NM_177976.3); c.479+3671G>A (NM_001323514.2); short protein forms G167R.
Identifiers: ClinVar variation 936753 (VCV000936753.11), dbSNP rs764523283, ClinGen allele CA2505987.

ClinVar aggregate classification (germline): Conflicting classifications of pathogenicity. Review status: criteria provided, conflicting classifications (1 of 4 stars). 5 submissions from 5 submitters: Pathogenic (1); Likely pathogenic (1); Uncertain significance (3). Last evaluated 2026-04-22.

Conditions:
Bardet-Biedl syndrome 3 (BBS3). Identifiers: Orphanet 110, MedGen C1859564, MONDO:0010832, OMIM 600151.
Retinitis pigmentosa 55 (RP55). Identifiers: Orphanet 791, MedGen C3150808, MONDO:0013312, OMIM 613575.
Bardet-Biedl syndrome 1 (BBS1). Identifiers: MedGen C2936862, MONDO:0008854, OMIM 209900. Disease mechanism: loss of function.
ARL6-related disorder. Also called: ARL6-related condition.

Allele frequency attached by ClinVar (database versions not stated): gnomAD exomes 0.00001 and 0.00002; TOPMed 0.00001; gnomAD 0.00002; ExAC 0.00003.
gnomAD v4.1: 10 of 1,613,664 alleles (0.00062%); highest among the groups gnomAD compares: Admixed American, 0.0067%; no homozygotes.

Submissions (5):

PreventionGenetics, part of Exact Sciences
Classification: Uncertain significance for ARL6-related condition. Last evaluated: 2026-04-22. Review status: criteria provided, single submitter. Criteria: ACMG Guidelines, 2015. Collection method: clinical testing. Allele origin: germline.
Comment: The ARL6 c.499G>A variant is predicted to result in the amino acid substitution p.Gly167Arg. This variant has been reported along with a second ARL6 variant in two individuals, one diagnosed with retinitis pigmentosa (RP) (Diñeiro et al. 2020. PubMed ID: 32483926) and the second diagnosed with Bardet-Biedl syndrome (BBS) (Pincay et al. 2024. PubMed ID: 39078565). This variant is reported in 0.0033% of alleles in individuals of South Asian descent in gnomAD. This variant has conflicting classifications in ClinVar ranging from uncertain to pathogenic (ClinVar ID: 936753). At this time, the clinical significance of this variant is uncertain due to the absence of conclusive functional and genetic evidence.

Labcorp Genetics (formerly Invitae), Labcorp
Classification: Pathogenic for Retinitis pigmentosa 55; Bardet-Biedl syndrome 3. Last evaluated: 2026-01-05. Review status: criteria provided, single submitter. Criteria: Invitae Variant Classification Sherloc (09022015). Collection method: clinical testing. Allele origin: germline.
Comment: This sequence change replaces glycine, which is neutral and non-polar, with arginine, which is basic and polar, at codon 167 of the ARL6 protein (p.Gly167Arg). This variant is present in population databases (rs764523283, gnomAD 0.003%). This missense change has been observed in individual(s) with ARL6-related conditions (PMID: 32483926; internal data). ClinVar contains an entry for this variant (Variation ID: 936753). An algorithm developed to predict the effect of missense changes on protein structure and function (PolyPhen-2) suggests that this variant is likely to be disruptive. For these reasons, this variant has been classified as Pathogenic.

Fulgent Genetics
Classification: Likely pathogenic for Bardet-Biedl syndrome 1; Bardet-Biedl syndrome 3; Retinitis pigmentosa 55. Last evaluated: 2024-02-19. Review status: criteria provided, single submitter. Criteria: ACMG Guidelines, 2015. Collection method: clinical testing. Allele origin: germline.

GeneDx
Classification: Uncertain significance. Last evaluated: 2024-01-17. Review status: criteria provided, single submitter. Criteria: GeneDx Variant Classification Process June 2021. Collection method: clinical testing. Allele origin: germline. Affected: yes.
Comment: In silico analysis supports that this missense variant has a deleterious effect on protein structure/function; This variant is associated with the following publications: (PMID: 32483926)

Blueprint Genetics
Classification: Uncertain significance. Last evaluated: 2019-12-20. Review status: criteria provided, single submitter. Criteria: ACMG Guidelines, 2015. Collection method: clinical testing. Allele origin: germline.

Literature cited by the submitters: PubMed 32483926 (cited by Labcorp Genetics (formerly Invitae), Labcorp).